The following is an entry in ClinVar:

NM_001374828.1(ARID1B):c.5767G>T (p.Val1923Phe)

Gene: ARID1B (AT-rich interaction domain 1B; plus strand). Cytogenetic location: 6q25.3.
Variant type: single nucleotide variant.
Coding change: c.5767G>T on transcript NM_001374828.1 (MANE Select); coding-DNA position 5767, G replaced by T.
Protein change: p.Val1923Phe; replaces valine 1923 with phenylalanine.
Molecular consequence: missense variant.
Genome position (GRCh38, 1-based): chr6:157,206,539, G>T. VCF-style: chr6-157206539-G-T. GRCh37 (hg19) VCF-style: chr6-157527673-G-T.
Other names: c.5518G>T, p.Val1840Phe (NM_001346813.1); c.3268G>T, p.Val1090Phe (NM_001363725.2); c.5647G>T, p.Val1883Phe (NM_001371656.1, NM_001374820.1); c.5608G>T, p.Val1870Phe (NM_017519.3); c.5398G>T, p.Val1800Phe (NM_020732.3); c.5185G>T, p.Val1729Phe (NM_175863.2); short protein forms V1800F, V1870F, V1883F, V1923F, V1090F, V1729F, V1840F.
Identifiers: ClinVar variation 1747260 (VCV001747260.5), dbSNP rs138149494, ClinGen allele CA4067896.

ClinVar aggregate classification (germline): Conflicting classifications of pathogenicity. Review status: criteria provided, conflicting classifications (1 of 4 stars). 2 submissions from 2 submitters: Uncertain significance (1); Benign (1). Last evaluated 2025-03-19.

Conditions:
Inborn genetic diseases. Identifiers: MedGen C0950123, MeSH D030342.

Allele frequency attached by ClinVar (database versions not stated): ExAC 0.00002; TOPMed 0.00004; gnomAD 0.00003; ESP Exome Variant Server 0.00015.
gnomAD v4.1: 27 of 1,614,058 alleles (0.0017%); highest among the groups gnomAD compares: Non-Finnish European, 0.0019%; no homozygotes.

Submissions (2):

Labcorp Genetics (formerly Invitae), Labcorp
Classification: Benign. Last evaluated: 2025-03-19. Review status: criteria provided, single submitter. Criteria: Invitae Variant Classification Sherloc (09022015). Collection method: clinical testing. Allele origin: germline.

Ambry Genetics
Classification: Uncertain significance for Inborn genetic diseases. Last evaluated: 2018-01-30. Review status: criteria provided, single submitter. Criteria: Ambry Variant Classification Scheme 2023. Collection method: clinical testing. Allele origin: germline.
Comment: The p.V1800F variant (also known as c.5398G>T), located in coding exon 20 of the ARID1B gene, results from a G to T substitution at nucleotide position 5398. The valine at codon 1800 is replaced by phenylalanine, an amino acid with highly similar properties. This amino acid position is well conserved in available vertebrate species. In addition, this alteration is predicted to be tolerated by in silico analysis. Since supporting evidence is limited at this time, the clinical significance of this alteration remains unclear.